The following is an entry in ClinVar:

NM_000046.5(ARSB):c.499G>A (p.Gly167Arg)

Gene: ARSB (arylsulfatase B; minus strand). Cytogenetic location: 5q14.1.
Variant type: single nucleotide variant.
Coding change: c.499G>A on transcript NM_000046.5 (MANE Select); coding-DNA position 499, G replaced by A.
Protein change: p.Gly167Arg; replaces glycine 167 with arginine.
Molecular consequence: missense variant.
Genome position (GRCh38, 1-based): chr5:78,969,006, C>T on the plus strand (G>A on the coding strand, the complement: ARSB is on the minus strand). VCF-style: chr5-78969006-C-T. GRCh37 (hg19) VCF-style: chr5-78264829-C-T.
Other names: c.499G>A, p.Gly167Arg (NM_198709.3); short protein forms G167R.
Identifiers: ClinVar variation 559792 (VCV000559792.4), dbSNP rs1554087999, ClinGen allele CA360193823.

ClinVar aggregate classification (germline): Conflicting classifications of pathogenicity. Review status: criteria provided, conflicting classifications (1 of 4 stars). 4 submissions from 4 submitters: Likely pathogenic (3); Uncertain significance (1). Last evaluated 2025-12-30.

Conditions:
Mucopolysaccharidosis type 6 (MPS6). Also called: N-ACETYLGALACTOSAMINE-4-SULFATASE DEFICIENCY; MPS VI; MPS 6; Maroteaux Lamy syndrome; ARSB DEFICIENCY; ARYLSULFATASE B DEFICIENCY. Identifiers: Orphanet 583, MedGen C0026709, MONDO:0009661, OMIM 253200.

Allele frequency attached by ClinVar (database versions not stated): gnomAD 0.00001.
gnomAD v4.1: 1 of 1,613,930 alleles (0.000062%); highest among the groups gnomAD compares: African/African-American, 0.0013%; no homozygotes.

Submissions (4):

Natera, Inc.
Classification: Likely pathogenic for Mucopolysaccharidosis type VI. Last evaluated: 2025-12-30. Review status: criteria provided, single submitter. Criteria: Natera Variant Classification Schema (03/2026). Collection method: clinical testing. Allele origin: germline.
Comment: The c.499G>A variant in ARSB is a missense variant predicted to cause substitution of glycine to arginine at amino acid 167. This variant is rare in the general population with a frequency below the threshold expected for the associated phenotype(s). This variant has been observed in one or more individuals affected with the associated recessive disease, as either homozygous or compound heterozygous with a second variant (PMID: 22133300). Additionally, this variant has been observed to segregate in affected family members (PMID: 22133300). Computational prediction algorithms indicate this variant is likely to affect gene or protein function. Given the available evidence, this variant is classified as Likely Pathogenic.

Labcorp Genetics (formerly Invitae), Labcorp
Classification: Likely pathogenic for Mucopolysaccharidosis type 6. Last evaluated: 2025-10-01. Review status: criteria provided, single submitter. Criteria: Invitae Variant Classification Sherloc (09022015). Collection method: clinical testing. Allele origin: germline.
Comment: This sequence change replaces glycine, which is neutral and non-polar, with arginine, which is basic and polar, at codon 167 of the ARSB protein (p.Gly167Arg). This variant also falls at the last nucleotide of exon 2, which is part of the consensus splice site for this exon. This variant is not present in population databases (gnomAD no frequency). This missense change has been observed in individual(s) with mucopolysaccharidosis type VI (PMID: 22133300, 25190157). In at least one individual the data is consistent with being in trans (on the opposite chromosome) from a pathogenic variant. ClinVar contains an entry for this variant (Variation ID: 559792). An algorithm developed to predict the effect of missense changes on protein structure and function (PolyPhen-2) suggests that this variant is likely to be disruptive. Variants that disrupt the consensus splice site are a relatively common cause of aberrant splicing (PMID: 17576681, 9536098). Algorithms developed to predict the effect of sequence changes on RNA splicing suggest that this variant may disrupt the consensus splice site. In summary, the currently available evidence indicates that the variant is pathogenic, but additional data are needed to prove that conclusively. Therefore, this variant has been classified as Likely Pathogenic.

Baylor Genetics
Classification: Likely pathogenic for Mucopolysaccharidosis type 6. Last evaluated: 2023-06-10. Review status: criteria provided, single submitter. Criteria: ACMG Guidelines, 2015. Collection method: clinical testing. Allele origin: unknown.

Laboratory of Diagnosis and Therapy of Lysosomal Disorders, University of Padova
Classification: Uncertain significance for Mucopolysaccharidosis type 6. Last evaluated: 2018-01-01. Review status: criteria provided, single submitter. Criteria: ACMG Guidelines, 2015. Collection method: curation. Allele origin: germline. Affected: yes.
Comment: Absent from GnomAD (PM2)

Literature cited by the submitters: PubMed 22133300 (cited by 3 submitters); PubMed 25190157 (cited by Labcorp Genetics (formerly Invitae), Labcorp and Laboratory of Diagnosis and Therapy of Lysosomal Disorders, University of Padova); PubMed 17576681 (cited by Labcorp Genetics (formerly Invitae), Labcorp); PubMed 9536098 (cited by Labcorp Genetics (formerly Invitae), Labcorp); PubMed 30118150 (cited by Laboratory of Diagnosis and Therapy of Lysosomal Disorders, University of Padova).